The following is an entry in ClinVar:

ClinVar aggregate classification (germline): Likely benign (0 of 4 stars; one submission).

Conditions:
LEMD2-related disorder. Also called: LEMD2-related condition.

Allele frequency attached by ClinVar (database versions not stated): gnomAD exomes 0.00003; ExAC 0.00011; gnomAD 0.00022; TOPMed 0.00025; 1000 Genomes Project 30x 0.00031; 1000 Genomes Project 0.00040.
gnomAD v4.1: 79 of 1,536,028 alleles (0.0051%); highest among the groups gnomAD compares: African/African-American, 0.091%; no homozygotes.

Submission:

PreventionGenetics, part of Exact Sciences
Classification: Likely benign for LEMD2-related condition. Last evaluated: 2019-04-03. Review status: no assertion criteria provided. Collection method: clinical testing. Allele origin: germline.
Comment: This variant is classified as likely benign based on ACMG/AMP sequence variant interpretation guidelines (Richards et al. 2015 PMID: 25741868, with internal and published modifications).

NM_181336.4(LEMD2):c.147G>A (p.Arg49=)

Genes: LEMD2 (LEM domain nuclear envelope protein 2; minus strand), LOC129996186 (ATAC-STARR-seq lymphoblastoid silent region 17057; plus strand). Cytogenetic location: 6p21.31.
Variant type: single nucleotide variant.
Coding change: c.147G>A on transcript NM_181336.4 (MANE Select); coding-DNA position 147, G replaced by A.
Protein change: p.Arg49=; no amino-acid change (arginine 49 retained).
Molecular consequence: synonymous variant. On other transcripts: 5 prime UTR variant (1).
Genome position (GRCh38, 1-based): chr6:33,788,970, C>T on the plus strand (G>A on the coding strand, the complement: LEMD2 is on the minus strand). VCF-style: chr6-33788970-C-T. GRCh37 (hg19) VCF-style: chr6-33756747-C-T.
Other names: c.-366G>A (NM_001348709.2); c.147G>A, p.Arg49= (NM_001348710.2).
Identifiers: ClinVar variation 3057738 (VCV003057738.2), dbSNP rs144268907, ClinGen allele CA3763343.